The following is an entry in ClinVar:

ClinVar aggregate classification (germline): Uncertain significance (1 of 4 stars; one submission).

Conditions:
Autosomal dominant nonsyndromic hearing loss 1. Also called: KONIGSMARK SYNDROME; DEAFNESS, AUTOSOMAL DOMINANT 1, WITH OR WITHOUT THROMBOCYTOPENIA. Identifiers: Orphanet 90635, MedGen C1852282, MONDO:0007424, OMIM 124900.
Progressive microcephaly-seizures-cortical blindness-developmental delay syndrome. Also called: Seizures, cortical blindness, and microcephaly syndrome. Identifiers: Orphanet 477814, MedGen C5567650, MONDO:0014714, OMIM 616632.

gnomAD v4.1: 5 of 1,576,024 alleles (0.00032%); highest among the groups gnomAD compares: East Asian, 0.0092%; no homozygotes.

Submission:

Labcorp Genetics (formerly Invitae), Labcorp
Classification: Uncertain significance for Progressive microcephaly-seizures-cortical blindness-developmental delay syndrome; Autosomal dominant nonsyndromic hearing loss 1. Last evaluated: 2024-02-17. Review status: criteria provided, single submitter. Criteria: Invitae Variant Classification Sherloc (09022015). Collection method: clinical testing. Allele origin: germline.
Comment: This sequence change replaces glycine, which is neutral and non-polar, with glutamic acid, which is acidic and polar, at codon 712 of the DIAPH1 protein (p.Gly712Glu). The frequency data for this variant in the population databases is considered unreliable, as metrics indicate poor data quality at this position in the gnomAD database. This variant has not been reported in the literature in individuals affected with DIAPH1-related conditions. Experimental studies and prediction algorithms are not available or were not evaluated, and the functional significance of this variant is currently unknown. In summary, the available evidence is currently insufficient to determine the role of this variant in disease. Therefore, it has been classified as a Variant of Uncertain Significance.

NM_005219.5(DIAPH1):c.2135G>A (p.Gly712Glu)

Gene: DIAPH1 (diaphanous related formin 1; minus strand). Cytogenetic location: 5q31.3.
Variant type: single nucleotide variant.
Coding change: c.2135G>A on transcript NM_005219.5 (MANE Select); coding-DNA position 2135, G replaced by A.
Protein change: p.Gly712Glu; replaces glycine 712 with glutamic acid.
Molecular consequence: missense variant.
Genome position (GRCh38, 1-based): chr5:141,573,715, C>T on the plus strand (G>A on the coding strand, the complement: DIAPH1 is on the minus strand). VCF-style: chr5-141573715-C-T. GRCh37 (hg19) VCF-style: chr5-140953282-C-T.
Other names: c.2108G>A, p.Gly703Glu (NM_001079812.3); c.2135G>A, p.Gly712Glu (NM_001314007.2); short protein forms G703E, G712E.
Identifiers: ClinVar variation 3750675 (VCV003750675.2).